The following is an entry in ClinVar:

NM_001371928.1(AHDC1):c.1973T>G (p.Phe658Cys)

Gene: AHDC1 (AT-hook DNA binding motif containing 1; minus strand). Cytogenetic location: 1p36.11.
Variant type: single nucleotide variant.
Coding change: c.1973T>G on transcript NM_001371928.1 (MANE Select); coding-DNA position 1973, T replaced by G.
Protein change: p.Phe658Cys; replaces phenylalanine 658 with cysteine.
Molecular consequence: missense variant.
Genome position (GRCh38, 1-based): chr1:27,550,143, A>C on the plus strand (T>G on the coding strand, the complement: AHDC1 is on the minus strand). VCF-style: chr1-27550143-A-C. GRCh37 (hg19) VCF-style: chr1-27876654-A-C.
Other names: c.1973T>G, p.Phe658Cys (NM_001029882.3); short protein forms F658C.
Identifiers: ClinVar variation 1938642 (VCV001938642.5), dbSNP rs1357539478, ClinGen allele CA339232944.

ClinVar aggregate classification (germline): Uncertain significance (1 of 4 stars; one submission).

Allele frequency attached by ClinVar (database versions not stated): TOPMed below 0.00001; gnomAD 0.00001; gnomAD exomes 0.00001.
gnomAD v4.1: 12 of 1,610,766 alleles (0.00074%); highest among the groups gnomAD compares: Non-Finnish European, 0.001%; no homozygotes.

Submission:

Labcorp Genetics (formerly Invitae), Labcorp
Classification: Uncertain significance. Last evaluated: 2025-09-02. Review status: criteria provided, single submitter. Criteria: Invitae Variant Classification Sherloc (09022015). Collection method: clinical testing. Allele origin: germline.
Comment: This sequence change replaces phenylalanine, which is neutral and non-polar, with cysteine, which is neutral and slightly polar, at codon 658 of the AHDC1 protein (p.Phe658Cys). This variant is present in population databases (no rsID available, gnomAD 0.0009%). This variant has not been reported in the literature in individuals affected with AHDC1-related conditions. ClinVar contains an entry for this variant (Variation ID: 1938642). An algorithm developed to predict the effect of missense changes on protein structure and function (PolyPhen-2) suggests that this variant is likely to be disruptive. In summary, the available evidence is currently insufficient to determine the role of this variant in disease. Therefore, it has been classified as a Variant of Uncertain Significance.